The following is an entry in ClinVar:

NM_004525.3(LRP2):c.1501C>T (p.Arg501Trp)

Gene: LRP2 (LDL receptor related protein 2; minus strand). Cytogenetic location: 2q31.1.
Variant type: single nucleotide variant.
Coding change: c.1501C>T on transcript NM_004525.3 (MANE Select); coding-DNA position 1501, C replaced by T.
Protein change: p.Arg501Trp; replaces arginine 501 with tryptophan.
Molecular consequence: missense variant.
Genome position (GRCh38, 1-based): chr2:169,279,436, G>A on the plus strand (C>T on the coding strand, the complement: LRP2 is on the minus strand). VCF-style: chr2-169279436-G-A. GRCh37 (hg19) VCF-style: chr2-170135946-G-A.
Other names: short protein forms R501W.
Identifiers: ClinVar variation 1424949 (VCV001424949.7), dbSNP rs760488801, ClinGen allele CA1955549.

ClinVar aggregate classification (germline): Uncertain significance. Review status: criteria provided, multiple submitters, no conflicts (2 of 4 stars). 2 submissions from 2 submitters: Uncertain significance (2). Last evaluated 2023-11-10.

Conditions:
Donnai-Barrow syndrome. Also called: FACIOOCULOACOUSTICORENAL SYNDROME; DBS/FOAR SYNDROME. Identifiers: Orphanet 2143, MedGen C1857277, MONDO:0009104, OMIM 222448.

Allele frequency attached by ClinVar (database versions not stated): ExAC 0.00002; gnomAD exomes 0.00002; gnomAD 0.00003 and 0.00004.
gnomAD v4.1: 26 of 1,613,916 alleles (0.0016%); highest among the groups gnomAD compares: Middle Eastern, 0.016%; no homozygotes.

Submissions (2):

Revvity Omics, Revvity
Classification: Uncertain significance for Donnai-Barrow syndrome. Last evaluated: 2023-11-10. Review status: criteria provided, single submitter. Criteria: ACMG Guidelines, 2015. Collection method: clinical testing. Allele origin: germline.

Labcorp Genetics (formerly Invitae), Labcorp
Classification: Uncertain significance. Last evaluated: 2022-07-05. Review status: criteria provided, single submitter. Criteria: Invitae Variant Classification Sherloc (09022015). Collection method: clinical testing. Allele origin: germline.
Comment: This sequence change replaces arginine, which is basic and polar, with tryptophan, which is neutral and slightly polar, at codon 501 of the LRP2 protein (p.Arg501Trp). This variant is present in population databases (rs760488801, gnomAD 0.006%). This variant has not been reported in the literature in individuals affected with LRP2-related conditions. ClinVar contains an entry for this variant (Variation ID: 1424949). Advanced modeling of protein sequence and biophysical properties (such as structural, functional, and spatial information, amino acid conservation, physicochemical variation, residue mobility, and thermodynamic stability) performed at Invitae indicates that this missense variant is expected to disrupt LRP2 protein function. In summary, the available evidence is currently insufficient to determine the role of this variant in disease. Therefore, it has been classified as a Variant of Uncertain Significance.